The following is an entry in ClinVar:

NM_004595.5(SMS):c.13C>T (p.Arg5Trp)

Genes: SMS (spermine synthase; plus strand), LOC130068040 (ATAC-STARR-seq lymphoblastoid silent region 20700; plus strand). Cytogenetic location: Xp22.11.
Variant type: single nucleotide variant.
Coding change: c.13C>T on transcript NM_004595.5 (MANE Select); coding-DNA position 13, C replaced by T.
Protein change: p.Arg5Trp; replaces arginine 5 with tryptophan.
Molecular consequence: missense variant.
Genome position (GRCh38, 1-based): chrX:21,940,837, C>T. VCF-style: chrX-21940837-C-T. GRCh37 (hg19) VCF-style: chrX-21958955-C-T.
Other names: c.13C>T, p.Arg5Trp (NM_001258423.2); short protein forms R5W.
Identifiers: ClinVar variation 2634494 (VCV002634494.2), dbSNP rs1921698887, ClinGen allele CA412566978.

ClinVar aggregate classification (germline): Uncertain significance. Review status: criteria provided, multiple submitters, no conflicts (2 of 4 stars). 2 submissions from 2 submitters: Uncertain significance (2). Last evaluated 2025-10-12.

Conditions:
SMS-related disorder. Also called: SMS-related condition.

Submissions (2):

Labcorp Genetics (formerly Invitae), Labcorp
Classification: Uncertain significance. Last evaluated: 2025-10-12. Review status: criteria provided, single submitter. Criteria: Invitae Variant Classification Sherloc (09022015). Collection method: clinical testing. Allele origin: germline.
Comment: This sequence change replaces arginine, which is basic and polar, with tryptophan, which is neutral and slightly polar, at codon 5 of the SMS protein (p.Arg5Trp). This variant is not present in population databases (gnomAD no frequency). This variant has not been reported in the literature in individuals affected with SMS-related conditions. ClinVar contains an entry for this variant (Variation ID: 2634494). An algorithm developed to predict the effect of missense changes on protein structure and function (PolyPhen-2) suggests that this variant is likely to be tolerated. In summary, the available evidence is currently insufficient to determine the role of this variant in disease. Therefore, it has been classified as a Variant of Uncertain Significance.

PreventionGenetics, part of Exact Sciences
Classification: Uncertain significance for SMS-related condition. Last evaluated: 2022-12-09. Review status: criteria provided, single submitter. Criteria: ACMG Guidelines, 2015. Collection method: clinical testing. Allele origin: germline.
Comment: The SMS c.13C>T variant is predicted to result in the amino acid substitution p.Arg5Trp. To our knowledge, this variant has not been reported in the literature or in a large population database, indicating this variant is rare. At this time, the clinical significance of this variant is uncertain due to the absence of conclusive functional and genetic evidence.